The following is an entry in ClinVar:

ClinVar aggregate classification (germline): Likely pathogenic (1 of 4 stars; one submission).

gnomAD v4.1: 2 of 1,613,888 alleles (0.00012%); highest among the groups gnomAD compares: Non-Finnish European, 0.00017%; no homozygotes.

Submission:

Labcorp Genetics (formerly Invitae), Labcorp
Classification: Likely pathogenic. Last evaluated: 2025-11-28. Review status: criteria provided, single submitter. Criteria: Invitae Variant Classification Sherloc (09022015). Collection method: clinical testing. Allele origin: germline.
Comment: This sequence change replaces glutamine, which is neutral and polar, with histidine, which is basic and polar, at codon 2149 of the ABCA12 protein (p.Gln2149His). This variant is present in population databases (rs147074166, gnomAD 0.0009%). This missense change has been observed in individual(s) with congenital ichthyosiform erythroderma (internal data). In at least one individual the data is consistent with being in trans (on the opposite chromosome) from a pathogenic variant. It has also been observed to segregate with disease in related individuals. ClinVar contains an entry for this variant (Variation ID: 2965220). Invitae Evidence Modeling of protein sequence and biophysical properties (such as structural, functional, and spatial information, amino acid conservation, physicochemical variation, residue mobility, and thermodynamic stability) indicates that this missense variant is not expected to disrupt ABCA12 protein function with a negative predictive value of 95%. In summary, the currently available evidence indicates that the variant is pathogenic, but additional data are needed to prove that conclusively. Therefore, this variant has been classified as Likely Pathogenic.

NM_173076.3(ABCA12):c.6447A>T (p.Gln2149His)

Genes: ABCA12 (ATP binding cassette subfamily A member 12; minus strand), SNHG31 (small nucleolar RNA host gene 31; plus strand). Cytogenetic location: 2q35.
Variant type: single nucleotide variant.
Coding change: c.6447A>T on transcript NM_173076.3 (MANE Select); coding-DNA position 6447, A replaced by T.
Protein change: p.Gln2149His; replaces glutamine 2149 with histidine.
Molecular consequence: missense variant. On other transcripts: non-coding transcript variant (1).
Genome position (GRCh38, 1-based): chr2:214,954,054, T>A on the plus strand (A>T on the coding strand, the complement: ABCA12 is on the minus strand). VCF-style: chr2-214954054-T-A. GRCh37 (hg19) VCF-style: chr2-215818778-T-A.
Other names: c.5493A>T, p.Gln1831His (NM_015657.4); short protein forms Q1831H, Q2149H.
Identifiers: ClinVar variation 2965220 (VCV002965220.3), dbSNP rs147074166, ClinGen allele CA2090901.